The following is an entry in ClinVar:

ClinVar aggregate classification (germline): Likely benign (1 of 4 stars; one submission).

Submission:

Molecular Diagnostic Laboratory for Inherited Cardiovascular Disease, Montreal Heart Institute
Classification: Likely benign. Last evaluated: 2026-03-27. Review status: criteria provided, single submitter. Criteria: ACMG Guidelines, 2015. Collection method: clinical testing. Allele origin: germline. Affected: no.
Comment: BP1

NM_001267550.2(TTN):c.55598G>C (p.Cys18533Ser)

Genes: TTN (titin; minus strand), TTN-AS1 (TTN antisense RNA 1; plus strand). Cytogenetic location: 2q31.2.
Variant type: single nucleotide variant.
Coding change: c.55598G>C on transcript NM_001267550.2 (MANE Select); coding-DNA position 55598, G replaced by C.
Protein change: p.Cys18533Ser; replaces cysteine 18533 with serine.
Molecular consequence: missense variant.
Genome position (GRCh38, 1-based): chr2:178,601,399, C>G on the plus strand (G>C on the coding strand, the complement: TTN is on the minus strand). VCF-style: chr2-178601399-C-G. GRCh37 (hg19) VCF-style: chr2-179466126-C-G.
Other names: c.50675G>C, p.Cys16892Ser (NM_001256850.1); c.28403G>C, p.Cys9468Ser (NM_003319.4); c.47894G>C, p.Cys15965Ser (NM_133378.4); c.28778G>C, p.Cys9593Ser (NM_133432.3); c.28979G>C, p.Cys9660Ser (NM_133437.4); short protein forms C15965S, C16892S, C18533S, C9468S, C9593S, C9660S.
Identifiers: ClinVar variation 4820454 (VCV004820454.1).